The following is an entry in ClinVar:

ClinVar aggregate classification (germline): Conflicting classifications of pathogenicity. Review status: criteria provided, conflicting classifications (1 of 4 stars). 2 submissions from 2 submitters: Uncertain significance (1); Benign (1). Last evaluated 2025-12-13.

Conditions:
Kabuki syndrome. Also called: Kabuki make-up syndrome; NIIKAWA-KUROKI SYNDROME. Identifiers: Orphanet 2322, MedGen C0796004, MONDO:0016512.
KMT2D-related disorder. Also called: KMT2D-Related Disorders.

Allele frequency attached by ClinVar (database versions not stated): gnomAD exomes 0.00002; TOPMed 0.00002; gnomAD 0.00002; ExAC 0.00002.
gnomAD v4.1: 33 of 1,613,726 alleles (0.002%); highest among the groups gnomAD compares: Non-Finnish European, 0.0025%; no homozygotes.

Submissions (2):

Labcorp Genetics (formerly Invitae), Labcorp
Classification: Benign for Kabuki syndrome. Last evaluated: 2025-12-13. Review status: criteria provided, single submitter. Criteria: Invitae Variant Classification Sherloc (09022015). Collection method: clinical testing. Allele origin: germline.

PreventionGenetics, part of Exact Sciences
Classification: Uncertain significance for KMT2D-related condition. Last evaluated: 2023-02-13. Review status: criteria provided, single submitter. Criteria: ACMG Guidelines, 2015. Collection method: clinical testing. Allele origin: germline.
Comment: The KMT2D c.5362G>A variant is predicted to result in the amino acid substitution p.Ala1788Thr. To our knowledge, this variant has not been reported in the literature. This variant is reported in 0.0031% of alleles in individuals of European (Non-Finnish) descent in gnomAD. At this time, the clinical significance of this variant is uncertain due to the absence of conclusive functional and genetic evidence.

NM_003482.4(KMT2D):c.5362G>A (p.Ala1788Thr)

Gene: KMT2D (lysine methyltransferase 2D; minus strand). Cytogenetic location: 12q13.12.
Variant type: single nucleotide variant.
Coding change: c.5362G>A on transcript NM_003482.4 (MANE Select); coding-DNA position 5362, G replaced by A.
Protein change: p.Ala1788Thr; replaces alanine 1788 with threonine.
Molecular consequence: missense variant.
Genome position (GRCh38, 1-based): chr12:49,043,740, C>T on the plus strand (G>A on the coding strand, the complement: KMT2D is on the minus strand). VCF-style: chr12-49043740-C-T. GRCh37 (hg19) VCF-style: chr12-49437523-C-T.
Other names: short protein forms A1788T.
Identifiers: ClinVar variation 2629448 (VCV002629448.4), dbSNP rs755651886, ClinGen allele CA6547555.